The following is an entry in ClinVar:

NM_000135.4(FANCA):c.732G>C (p.Leu244Phe)

Gene: FANCA (FA complementation group A; minus strand). Cytogenetic location: 16q24.3.
Variant type: single nucleotide variant.
Coding change: c.732G>C on transcript NM_000135.4 (MANE Select); coding-DNA position 732, G replaced by C.
Protein change: p.Leu244Phe; replaces leucine 244 with phenylalanine.
Molecular consequence: missense variant.
Genome position (GRCh38, 1-based): chr16:89,803,319, C>G on the plus strand (G>C on the coding strand, the complement: FANCA is on the minus strand). VCF-style: chr16-89803319-C-G. GRCh37 (hg19) VCF-style: chr16-89869727-C-G.
Other names: c.732G>C, p.Leu244Phe (NM_001018112.3, NM_001286167.3); c.636G>C, p.Leu212Phe (NM_001351830.2); short protein forms L212F, L244F.
Identifiers: ClinVar variation 973994 (VCV000973994.1), dbSNP rs2040522671, ClinGen allele CA397476347.

ClinVar aggregate classification (germline): Uncertain significance (0 of 4 stars; one submission).

Conditions:
Fanconi anemia complementation group A (FANCA). Also called: Fanconi anemia, group A; FANCA-Related Fanconi Anemia. Identifiers: Orphanet 84, MedGen C3469521, MONDO:0009215, OMIM 227650.

Submission:

Leiden Open Variation Database
Classification: Uncertain significance for Fanconi anemia complementation group A. Last evaluated: 2020-02-28. Review status: no assertion criteria provided. Collection method: curation. Allele origin: germline. Affected: yes.
Comment: Curator: Arleen D. Auerbach. Submitter to LOVD: Arleen D. Auerbach.